The following is an entry in ClinVar:

ClinVar aggregate classification (germline): Uncertain significance (1 of 4 stars; one submission).

Conditions:
Neonatal-onset encephalopathy with rigidity and seizures. Also called: Lethal neonatal spasticity-epileptic encephalopathy syndrome. Identifiers: Orphanet 435845, MedGen C3281029, MONDO:0013784, OMIM 614498.

Allele frequency attached by ClinVar (database versions not stated): gnomAD 0.00001; gnomAD exomes 0.00001; TOPMed 0.00003.

Submission:

Labcorp Genetics (formerly Invitae), Labcorp
Classification: Uncertain significance for Neonatal-onset encephalopathy with rigidity and seizures. Last evaluated: 2021-10-20. Review status: criteria provided, single submitter. Criteria: Invitae Variant Classification Sherloc (09022015). Collection method: clinical testing. Allele origin: germline.
Comment: This sequence change replaces cysteine with tyrosine at codon 456 of the BRAT1 protein (p.Cys456Tyr). The cysteine residue is weakly conserved and there is a large physicochemical difference between cysteine and tyrosine. This variant is present in population databases (rs377494515, ExAC 0.1%). This variant has not been reported in the literature in individuals with BRAT1-related conditions. Algorithms developed to predict the effect of missense changes on protein structure and function output the following: SIFT: "Tolerated"; PolyPhen-2: "Benign"; Align-GVGD: "Class C0". The tyrosine amino acid residue is found in multiple mammalian species, suggesting that this missense change does not adversely affect protein function. These predictions have not been confirmed by published functional studies and their clinical significance is uncertain. In summary, the available evidence is currently insufficient to determine the role of this variant in disease. Therefore, it has been classified as a Variant of Uncertain Significance.

NM_152743.4(BRAT1):c.1367G>A (p.Cys456Tyr)

Gene: BRAT1 (BRCA1 associated ATM activator 1; minus strand). Cytogenetic location: 7p22.3.
Variant type: single nucleotide variant.
Coding change: c.1367G>A on transcript NM_152743.4 (MANE Select); coding-DNA position 1367, G replaced by A.
Protein change: p.Cys456Tyr; replaces cysteine 456 with tyrosine.
Molecular consequence: missense variant. On other transcripts: non-coding transcript variant (1).
Genome position (GRCh38, 1-based): chr7:2,541,007, C>T on the plus strand (G>A on the coding strand, the complement: BRAT1 is on the minus strand). VCF-style: chr7-2541007-C-T. GRCh37 (hg19) VCF-style: chr7-2580641-C-T.
Other names: c.1367G>A, p.Cys456Tyr (NM_001350626.2); c.842G>A, p.Cys281Tyr (NM_001350627.2); short protein forms C281Y, C456Y.
Identifiers: ClinVar variation 1376850 (VCV001376850.3), dbSNP rs377494515, ClinGen allele CA4127791.
Genomic context (GRCh38, chr7:2,541,007, plus strand): 5'-CCTCTCCTCGCTCTCTATCCCCACCACCGTACCGTGGGGCTGGAGCCGGGGCTCTCGAGG[C>T]ACTCCAGGAGGACAGCAAGCGCCTGCGTCACCAGCTCCTGGGGGCCTGAGACAGAGGTGA-3'
Protein context (NP_689956.2, residues 446-466): VTQALAVLLE[Cys456Tyr]LESPGSSPTV